The following is an entry in ClinVar:

NM_152564.5(VPS13B):c.920_929del (p.Met307fs)

Gene: VPS13B (vacuolar protein sorting 13 homolog B; plus strand). Cytogenetic location: 8q22.2.
Variant type: Deletion.
Coding change: c.920_929del on transcript NM_152564.5 (MANE Select); coding-DNA positions 920 to 929, 10 bases deleted (TGCTAGGAAA; older notation c.920_929delTGCTAGGAAA).
Protein change: p.Met307fs; shifts the reading frame from methionine 307.
Molecular consequence: frameshift variant. On other transcripts: non-coding transcript variant (1).
Genome position (GRCh38, 1-based): chr8:99,115,857-99,115,866, TGCTAGGAAA deleted; deleting any 10 consecutive bases within chr8:99,115,856-99,115,866 gives the same sequence; the c. name uses the placement nearest the transcript's 3' end. VCF-style (leftmost placement, unchanged base first): chr8-99115855-TATGCTAGGAA-T. GRCh37 (hg19) VCF-style: chr8-100128083-TATGCTAGGAA-T.
Other names: c.920_929del, p.Met307fs (NM_015243.3, NM_017890.5, NM_181661.3); short protein forms M307fs.
Identifiers: ClinVar variation 4886582 (VCV004886582.2).
Genomic context (GRCh38, chr8:99,115,855, plus strand): 5'-TGGAGAAATAGGCAATTTTAAAGAAGGCGAAATAGAGGACCTTACTTGTCATAATAAAGA[TATGCTAGGAA>T]ACATTACAGGTAATGTAAAACTTTATTAAACAAAAACTTTATTTTAAGACTATTCTTACG-3'

ClinVar aggregate classification (germline): Likely pathogenic (1 of 4 stars; one submission).

Submission:

Dasa
Classification: Likely pathogenic. Last evaluated: 2025-12-02. Review status: criteria provided, single submitter. Criteria: DASA Assertion Criteria. Collection method: clinical testing. Allele origin: germline.
Comment: NM_152564.5(VPS13B):c.920_929del (p.Met307Thrfs*11) is a frameshift variant in VPS13B predicted to alter the reading frame and introduce a premature termination codon and is predicted to result in an absent or altered protein product. Loss of function is an established disease mechanism for VPS13B-associated disorders. Also, this variant is absent from population databases. Based on the currently available evidence, this variant is classified as likely pathogenic.